The following is an entry in ClinVar:

ClinVar aggregate classification (germline): Likely benign (1 of 4 stars; one submission).

Conditions:
Deficiency of 2-methylbutyryl-CoA dehydrogenase (ACADSB). Also called: 2-methylbutyryl-CoA dehydrogenase deficiency; SBCAD deficiency; 2-methylbutyric aciduria; Short branched-chain acyl-CoA dehydrogenase deficiency; 2-methylbutyrylglycinuria. Identifiers: Orphanet 79157, MedGen C1864912, MONDO:0012392, OMIM 610006, HP:0020147.

Allele frequency attached by ClinVar (database versions not stated): 1000 Genomes Project 0.00200; 1000 Genomes Project 30x 0.00234; TOPMed 0.00596; gnomAD 0.00783; gnomAD exomes 0.01168.
gnomAD v4.1: 983 of 152,802 alleles (0.64%); highest among the groups gnomAD compares: Non-Finnish European, 1%; 7 homozygotes.

Submission:

Illumina Laboratory Services, Illumina
Classification: Likely benign for Deficiency of 2-methylbutyryl-CoA dehydrogenase. Last evaluated: 2018-01-13. Review status: criteria provided, single submitter. Criteria: ICSL Variant Classification Criteria 13 December 2019. Collection method: clinical testing. Allele origin: germline.
Comment: This variant was observed in the ICSL laboratory as part of a predisposition screen in an ostensibly healthy population. It had not been previously curated by ICSL or reported in the Human Gene Mutation Database (HGMD: prior to June 1st, 2018), and was therefore a candidate for classification through an automated scoring system. Utilizing variant allele frequency, disease prevalence and penetrance estimates, and inheritance mode, an automated score was calculated to assess if this variant is too frequent to cause the disease. Based on the score and internal cut-off values, a variant classified as likely benign is not then subjected to further curation. The score for this variant resulted in a classification of likely benign for this disease.

NM_001609.4(ACADSB):c.*3130A>G

Gene: ACADSB (acyl-CoA dehydrogenase short/branched chain; plus strand). Cytogenetic location: 10q26.13.
Variant type: single nucleotide variant.
Coding change: c.*3130A>G on transcript NM_001609.4 (MANE Select); 3130 bases downstream of the stop codon, A replaced by G.
Molecular consequence: 3 prime UTR variant.
Genome position (GRCh38, 1-based): chr10:123,056,895, A>G. VCF-style: chr10-123056895-A-G. GRCh37 (hg19) VCF-style: chr10-124816411-A-G.
Other names: c.*3130A>G (NM_001330174.3).
Identifiers: ClinVar variation 299142 (VCV000299142.5), dbSNP rs41291348, ClinGen allele CA10635148.